The following is an entry in ClinVar:

NM_001321120.2(TBX4):c.1078T>A (p.Ser360Thr)

Gene: TBX4 (T-box transcription factor 4; plus strand). Cytogenetic location: 17q23.2.
Variant type: single nucleotide variant.
Coding change: c.1078T>A on transcript NM_001321120.2 (MANE Select); coding-DNA position 1078, T replaced by A.
Protein change: p.Ser360Thr; replaces serine 360 with threonine.
Molecular consequence: missense variant.
Genome position (GRCh38, 1-based): chr17:61,482,953, T>A. VCF-style: chr17-61482953-T-A. GRCh37 (hg19) VCF-style: chr17-59560314-T-A.
Other names: c.1075T>A, p.Ser359Thr (NM_018488.3); c.1075T>A (NM_018488.2); short protein forms S360T, S359T.
Identifiers: ClinVar variation 1408059 (VCV001408059.8), dbSNP rs1448219437, ClinGen allele CA400475573.

ClinVar aggregate classification (germline): Uncertain significance. Review status: criteria provided, multiple submitters, no conflicts (2 of 4 stars). 2 submissions from 2 submitters: Uncertain significance (2). Last evaluated 2026-05-12.

Conditions:
Inborn genetic diseases. Identifiers: MedGen C0950123, MeSH D030342.

Allele frequency attached by ClinVar (database versions not stated): gnomAD 0.00001.
gnomAD v4.1: 1 of 1,613,846 alleles (0.000062%); highest among the groups gnomAD compares: Admixed American, 0.0017%; no homozygotes.

Submissions (2):

Ambry Genetics
Classification: Uncertain significance for Inborn genetic diseases. Last evaluated: 2026-05-12. Review status: criteria provided, single submitter. Criteria: Ambry Variant Classification Scheme 2023. Collection method: clinical testing. Allele origin: germline.

Labcorp Genetics (formerly Invitae), Labcorp
Classification: Uncertain significance. Last evaluated: 2021-08-11. Review status: criteria provided, single submitter. Criteria: Invitae Variant Classification Sherloc (09022015). Collection method: clinical testing. Allele origin: germline.
Comment: Advanced modeling of protein sequence and biophysical properties (such as structural, functional, and spatial information, amino acid conservation, physicochemical variation, residue mobility, and thermodynamic stability) performed at Invitae indicates that this missense variant is not expected to disrupt TBX4 protein function. In summary, the available evidence is currently insufficient to determine the role of this variant in disease. Therefore, it has been classified as a Variant of Uncertain Significance. This missense change has been observed in individual(s) with pulmonary arterial hypertension (Invitae). This variant is not present in population databases (ExAC no frequency). This sequence change replaces serine with threonine at codon 359 of the TBX4 protein (p.Ser359Thr). The serine residue is highly conserved and there is a small physicochemical difference between serine and threonine.